The following is an entry in ClinVar:

NM_001122681.2(SH3BP2):c.1576G>T (p.Val526Phe)

Gene: SH3BP2 (SH3 domain binding protein 2; plus strand). Cytogenetic location: 4p16.3.
Variant type: single nucleotide variant.
Coding change: c.1576G>T on transcript NM_001122681.2 (MANE Select); coding-DNA position 1576, G replaced by T.
Protein change: p.Val526Phe; replaces valine 526 with phenylalanine.
Molecular consequence: missense variant.
Genome position (GRCh38, 1-based): chr4:2,833,724, G>T. VCF-style: chr4-2833724-G-T. GRCh37 (hg19) VCF-style: chr4-2835451-G-T.
Other names: c.1660G>T, p.Val554Phe (NM_001145855.2); c.1747G>T, p.Val583Phe (NM_001145856.2); c.1576G>T, p.Val526Phe (NM_003023.4); short protein forms V554F, V526F, V583F.
Identifiers: ClinVar variation 2311863 (VCV002311863.4), dbSNP rs1425874075, ClinGen allele CA356059573.
Genomic context (GRCh38, chr4:2,833,724, plus strand): 5'-CCTGCTGACGCTCCCCCTTCTCTTCCCCCACAGGACTCTAAGTTCTACCTGGAGGGCGAG[G>T]TCCTGTTTGTGAGTGTGGGCAGCATGGTGGAGCACTACCACACCCACGTGCTGCCCAGCC-3'
Protein context (NP_001116153.1, residues 516-536): KDSKFYLEGE[Val526Phe]LFVSVGSMVE

ClinVar aggregate classification (germline): Uncertain significance. Review status: criteria provided, multiple submitters, no conflicts (2 of 4 stars). 2 submissions from 2 submitters: Uncertain significance (2). Last evaluated 2024-07-30.

Conditions:
Inborn genetic diseases. Identifiers: MedGen C0950123, MeSH D030342.
Fibrous dysplasia of jaw (CRBM). Also called: Cherubism. Identifiers: Orphanet 184, MedGen C0008029, MONDO:0007315, OMIM 118400.

Allele frequency attached by ClinVar (database versions not stated): gnomAD 0.00001; gnomAD exomes 0.00001; TOPMed 0.00001.
gnomAD v4.1: 8 of 1,610,204 alleles (0.0005%); highest among the groups gnomAD compares: East Asian, 0.0045%; no homozygotes.

Submissions (2):

Labcorp Genetics (formerly Invitae), Labcorp
Classification: Uncertain significance for Fibrous dysplasia of jaw. Last evaluated: 2024-07-30. Review status: criteria provided, single submitter. Criteria: Invitae Variant Classification Sherloc (09022015). Collection method: clinical testing. Allele origin: germline.
Comment: This sequence change replaces valine, which is neutral and non-polar, with phenylalanine, which is neutral and non-polar, at codon 526 of the SH3BP2 protein (p.Val526Phe). The frequency data for this variant in the population databases is considered unreliable, as metrics indicate poor data quality at this position in the gnomAD database. This variant has not been reported in the literature in individuals affected with SH3BP2-related conditions. ClinVar contains an entry for this variant (Variation ID: 2311863). Advanced modeling of protein sequence and biophysical properties (such as structural, functional, and spatial information, amino acid conservation, physicochemical variation, residue mobility, and thermodynamic stability) performed at Invitae indicates that this missense variant is not expected to disrupt SH3BP2 protein function with a negative predictive value of 80%. In summary, the available evidence is currently insufficient to determine the role of this variant in disease. Therefore, it has been classified as a Variant of Uncertain Significance.

Ambry Genetics
Classification: Uncertain significance for Inborn genetic diseases. Last evaluated: 2022-09-14. Review status: criteria provided, single submitter. Criteria: Ambry Variant Classification Scheme 2023. Collection method: clinical testing. Allele origin: germline.